The following is an entry in ClinVar:

NM_153000.5(APCDD1):c.584G>A (p.Gly195Asp)

Gene: APCDD1 (APC down-regulated 1; plus strand). Cytogenetic location: 18p11.22.
Variant type: single nucleotide variant.
Coding change: c.584G>A on transcript NM_153000.5 (MANE Select); coding-DNA position 584, G replaced by A.
Protein change: p.Gly195Asp; replaces glycine 195 with aspartic acid.
Molecular consequence: missense variant.
Genome position (GRCh38, 1-based): chr18:10,471,871, G>A. VCF-style: chr18-10471871-G-A. GRCh37 (hg19) VCF-style: chr18-10471868-G-A.
Other names: short protein forms G195D.
Identifiers: ClinVar variation 4814025 (VCV004814025.1).
Genomic context (GRCh38, chr18:10,471,871, plus strand): 5'-TCGCAGACGGGGGTCCCTGGGTGCAGGACGTGGCCTATGACCTCTGGCGAGAGGAGAACG[G>A]CTGTGAGTGCACCAAGGCCGTGAACTTTGCCATGCATGAACTTCAGCTCATCCGGGTGGA-3'
Protein context (NP_694545.1, residues 185-205): VAYDLWREEN[Gly195Asp]CECTKAVNFA

ClinVar aggregate classification (germline): Likely benign (1 of 4 stars; one submission).

Conditions:
Hypotrichosis 1. Also called: Hereditary hypotrichosis simplex; HYPOTRICHOSIS SIMPLEX, GENERALIZED, HEREDITARY. Identifiers: Orphanet 55654, MedGen C4551976, MONDO:0011549, OMIM 605389.

Submission:

Centre for Medical Genetics,  Mumbai
Classification: Likely benign for Hypotrichosis 1. Last evaluated: 2026-02-27. Review status: criteria provided, single submitter. Criteria: ACMG Guidelines, 2015. Collection method: provider interpretation. Allele origin: germline. Inheritance: Autosomal recessive inheritance. Affected: no. Observed: 1 variant allele, 1 homozygote.
Comment: The variant satisfies PM2 criteria; Extremely low frequency in gnomAD population databases. The variant satisfies BP4 criteria; For a missense or a splice region variant, computational prediction tools unanimously support a benign effect on the gene. However, the variant satisfies BS2 criteria.

Literature cited by the submitters: PubMed 10878665.